The following is an entry in ClinVar:

ClinVar aggregate classification (germline): Uncertain significance (1 of 4 stars; one submission).

Conditions:
Hereditary cancer-predisposing syndrome. Also called: Hereditary neoplastic syndrome; Neoplastic Syndromes, Hereditary; Tumor predisposition; Hereditary Cancer Syndrome. Identifiers: Orphanet 140162, MedGen C0027672, MeSH D009386, MONDO:0015356.

Submission:

Ambry Genetics
Classification: Uncertain significance for Hereditary cancer-predisposing syndrome. Last evaluated: 2025-01-03. Review status: criteria provided, single submitter. Criteria: Ambry Variant Classification Scheme 2023. Collection method: clinical testing. Allele origin: germline.
Comment: The p.L2803V variant (also known as c.8407C>G), located in coding exon 18 of the BRCA2 gene, results from a C to G substitution at nucleotide position 8407. The leucine at codon 2803 is replaced by valine, an amino acid with highly similar properties. This amino acid position is conserved. In addition, the in silico prediction for this alteration is inconclusive. Based on the available evidence, the clinical significance of this variant remains unclear.

NM_000059.4(BRCA2):c.8407C>G (p.Leu2803Val)

Gene: BRCA2 (BRCA2 DNA repair associated; plus strand). Cytogenetic location: 13q13.1.
Variant type: single nucleotide variant.
Coding change: c.8407C>G on transcript NM_000059.4 (MANE Select); coding-DNA position 8407, C replaced by G.
Protein change: p.Leu2803Val; replaces leucine 2803 with valine.
Molecular consequence: missense variant. On other transcripts: non-coding transcript variant (1).
Genome position (GRCh38, 1-based): chr13:32,370,477, C>G. VCF-style: chr13-32370477-C-G. GRCh37 (hg19) VCF-style: chr13-32944614-C-G.
Other names: c.8311C>G, p.Leu2771Val (NM_001406719.1); c.8407C>G, p.Leu2803Val (NM_001406720.1, NM_001432077.1); c.3475C>G, p.Leu1159Val (NM_001406721.1); c.1990C>G, p.Leu664Val (NM_001406722.1); short protein forms L1159V, L2803V, L2771V, L664V.
Identifiers: ClinVar variation 3825415 (VCV003825415.1).
Genomic context (GRCh38, chr13:32,370,477, plus strand): 5'-ACTCGGCCTGCTCGCTGGTATACCAAACTTGGATTCTTTCCTGACCCTAGACCTTTTCCT[C>G]TGCCCTTATCATCGCTTTTCAGTGATGGAGGAAATGTTGGTTGTGTTGATGTAATTATTC-3'
Protein context (NP_000050.3, residues 2793-2813): GFFPDPRPFP[Leu2803Val]PLSSLFSDGG